The following is an entry in ClinVar:

NM_000751.3(CHRND):c.340G>C (p.Val114Leu)

Gene: CHRND (cholinergic receptor nicotinic delta subunit; plus strand). Cytogenetic location: 2q37.1.
Variant type: single nucleotide variant.
Coding change: c.340G>C on transcript NM_000751.3 (MANE Select); coding-DNA position 340, G replaced by C.
Protein change: p.Val114Leu; replaces valine 114 with leucine.
Molecular consequence: missense variant. On other transcripts: intron variant (1).
Genome position (GRCh38, 1-based): chr2:232,528,358, G>C. VCF-style: chr2-232528358-G-C. GRCh37 (hg19) VCF-style: chr2-233393068-G-C.
Other names: c.295G>C, p.Val99Leu (NM_001256657.2); c.69G>C, p.Leu23Phe (NM_001311195.2); c.50+19G>C (NM_001311196.2); short protein forms L23F, V114L, V99L.
Identifiers: ClinVar variation 2899586 (VCV002899586.3), dbSNP rs760395222, ClinGen allele CA2167990.

ClinVar aggregate classification (germline): Uncertain significance (1 of 4 stars; one submission).

Conditions:
Lethal multiple pterygium syndrome (LMPS). Identifiers: Orphanet 33108, MedGen C1854678, MONDO:0009668, OMIM 253290.

Allele frequency attached by ClinVar (database versions not stated): gnomAD exomes below 0.00001; ExAC 0.00001; gnomAD 0.00001; TOPMed 0.00001.
gnomAD v4.1: 9 of 1,613,982 alleles (0.00056%); highest among the groups gnomAD compares: Non-Finnish European, 0.00059%; no homozygotes.

Submission:

Labcorp Genetics (formerly Invitae), Labcorp
Classification: Uncertain significance for Lethal multiple pterygium syndrome. Last evaluated: 2025-10-02. Review status: criteria provided, single submitter. Criteria: Invitae Variant Classification Sherloc (09022015). Collection method: clinical testing. Allele origin: germline.
Comment: This sequence change replaces valine, which is neutral and non-polar, with leucine, which is neutral and non-polar, at codon 114 of the CHRND protein (p.Val114Leu). This variant is present in population databases (rs760395222, gnomAD 0.002%). This missense change has been observed in individual(s) with clinical features of autosomal recessive CHRND-related conditions (PMID: 29399782, 32403337). ClinVar contains an entry for this variant (Variation ID: 2899586). Invitae Evidence Modeling of protein sequence and biophysical properties (such as structural, functional, and spatial information, amino acid conservation, physicochemical variation, residue mobility, and thermodynamic stability) indicates that this missense variant is not expected to disrupt CHRND protein function with a negative predictive value of 95%. In summary, the available evidence is currently insufficient to determine the role of this variant in disease. Therefore, it has been classified as a Variant of Uncertain Significance.

Literature cited by the submitters: PubMed 29399782; PubMed 32403337.